The following is an entry in ClinVar:

NM_001384474.1(LOXHD1):c.2863G>C (p.Glu955Gln)

Gene: LOXHD1 (lipoxygenase homology PLAT domains 1; minus strand). Cytogenetic location: 18q21.1.
Variant type: single nucleotide variant.
Coding change: c.2863G>C on transcript NM_001384474.1 (MANE Select); coding-DNA position 2863, G replaced by C.
Protein change: p.Glu955Gln; replaces glutamic acid 955 with glutamine.
Molecular consequence: missense variant.
Genome position (GRCh38, 1-based): chr18:46,560,281, C>G on the plus strand (G>C on the coding strand, the complement: LOXHD1 is on the minus strand). VCF-style: chr18-46560281-C-G. GRCh37 (hg19) VCF-style: chr18-44140244-C-G.
Other names: c.2863G>C, p.Glu955Gln (NM_144612.7); short protein forms E955Q.
Identifiers: ClinVar variation 289894 (VCV000289894.16), dbSNP rs548893604, ClinGen allele CA8952604.

ClinVar aggregate classification (germline): Conflicting classifications of pathogenicity. Review status: criteria provided, conflicting classifications (1 of 4 stars). 6 submissions from 6 submitters: Likely pathogenic (1); Uncertain significance (4). 1 of the submissions does not count toward it. Last evaluated 2024-08-20.

Conditions:
Autosomal recessive nonsyndromic hearing loss 77. Identifiers: Orphanet 90636, MedGen C2746083, MONDO:0013119, OMIM 613079.

Allele frequency attached by ClinVar (database versions not stated): gnomAD 0.00008 and 0.00013; 1000 Genomes Project 30x 0.00016; TOPMed 0.00019; 1000 Genomes Project 0.00020; gnomAD exomes 0.00029; ExAC 0.00052.
gnomAD v4.1: 249 of 1,551,962 alleles (0.016%); highest among the groups gnomAD compares: Middle Eastern, 1.2%; 3 homozygotes.

Submissions (6):

Laboratory of Prof. Karen Avraham, Tel Aviv University
Classification: Likely pathogenic for Autosomal recessive nonsyndromic hearing loss 77. Last evaluated: 2024-08-20. Review status: criteria provided, single submitter. Criteria: ACMG Guidelines, 2015. Collection method: research. Allele origin: germline. Affected: yes. Observed: 1 variant allele.
Comment: This p.(Glu955Gln) variant is rare and preddicted deleterious by many prediction programs.

Illumina Laboratory Services, Illumina
Classification: Uncertain significance for Autosomal recessive nonsyndromic hearing loss 77. Last evaluated: 2017-04-27. Review status: criteria provided, single submitter. Criteria: ICSL Variant Classification Criteria 13 December 2019. Collection method: clinical testing. Allele origin: germline.

Eurofins Ntd Llc (ga)
Classification: Uncertain significance. Last evaluated: 2016-08-16. Review status: criteria provided, single submitter. Criteria: EGL Classification Definitions 2015. Collection method: clinical testing. Allele origin: germline. Observed: 1 variant allele, 1 heterozygote.

Laboratory for Molecular Medicine, Mass General Brigham Personalized Medicine
Classification: Uncertain significance. Last evaluated: 2016-05-05. Review status: criteria provided, single submitter. Criteria: LMM Criteria. Collection method: clinical testing. Allele origin: germline. Observed: 2 variant alleles.
Comment: Variant classified as Uncertain Significance - Favor Benign. The p.Glu955Gln var iant in LOXHD1 has not been previously reported in individuals with hearing loss , but it has been identified in 11/21292 of the total chromosomes by the chromos omes by the Exome Aggregation Consortium, which includes several populations (Ex AC; dbSNP rs548893604). Although this variant ha s been seen in the general population, its frequency is not high enough to rule out a pathogenic role. Computational prediction tools and conservation analyses suggest that this variant may not impact the protein, though this information is not predictive enough to rule out pathogenicity. Of note, the glutamic acid (Gl u) at amino acid position 955 is not conserved through species, with one mammal (Golden hamster) having a glutamine (Gln) at this position. In summary, while t he clinical significance of this variant is uncertain, these data suggest that i t is more likely to be benign.

Breakthrough Genomics
Classification: Uncertain significance. Review status: criteria provided, single submitter. Criteria: ACMG Guidelines, 2015. Collection method: not provided. Allele origin: germline. Inheritance: Autosomal recessive inheritance. Affected: yes.

Natera, Inc.
Classification: Uncertain significance for Autosomal recessive deafness type 77. Last evaluated: 2020-01-24. Review status: no assertion criteria provided. Collection method: clinical testing. Allele origin: germline. Not counted in ClinVar's aggregate classification.